The following is an entry in ClinVar:

ClinVar aggregate classification (germline): Likely pathogenic (1 of 4 stars; one submission).

Conditions:
F9-related disorder. Also called: F9-related condition.

Submission:

PreventionGenetics, part of Exact Sciences
Classification: Likely pathogenic for F9-related condition. Last evaluated: 2026-02-04. Review status: criteria provided, single submitter. Criteria: ACMG Guidelines, 2015. Collection method: clinical testing. Allele origin: germline.
Comment: The F9 c.-24T>A variant is located in the 5' untranslated region. This variant is alternatively referred to as 6T>A in the literature. This variant has not been reported in a large population database (gnomAD), indicating this variant is rare. This variant is interpreted as likely pathogenic.

NM_000133.4(F9):c.-24T>A

Gene: F9 (coagulation factor IX; plus strand). Cytogenetic location: Xq27.1.
Variant type: single nucleotide variant.
Coding change: c.-24T>A on transcript NM_000133.4 (MANE Select); 24 bases upstream of the start codon, T replaced by A.
Molecular consequence: 5 prime UTR variant.
Genome position (GRCh38, 1-based): chrX:139,530,741, T>A. VCF-style: chrX-139530741-T-A. GRCh37 (hg19) VCF-style: chrX-138612900-T-A.
Other names: c.-24T>A (NM_001313913.2).
Identifiers: ClinVar variation 4994635 (VCV004994635.1).